The following is an entry in ClinVar:

ClinVar aggregate classification (germline): Likely benign (1 of 4 stars; one submission).

Submission:

CeGaT Center for Human Genetics Tuebingen
Classification: Likely benign. Last evaluated: 2025-09-01. Review status: criteria provided, single submitter. Criteria: CeGaT Center For Human Genetics Tuebingen Variant Classification Criteria Version 2. Collection method: clinical testing. Allele origin: germline. Affected: yes. Observed: 1 variant allele.
Comment: CLTC: PM2, PP2, BS2

NM_004859.4(CLTC):c.4839A>C (p.Leu1613Phe)

Gene: CLTC (clathrin heavy chain; plus strand). Cytogenetic location: 17q23.1.
Variant type: single nucleotide variant.
Coding change: c.4839A>C on transcript NM_004859.4 (MANE Select); coding-DNA position 4839, A replaced by C.
Protein change: p.Leu1613Phe; replaces leucine 1613 with phenylalanine.
Molecular consequence: missense variant.
Genome position (GRCh38, 1-based): chr17:59,690,647, A>C. VCF-style: chr17-59690647-A-C. GRCh37 (hg19) VCF-style: chr17-57768008-A-C.
Other names: c.4851A>C, p.Leu1617Phe (NM_001288653.2); short protein forms L1613F, L1617F.
Identifiers: ClinVar variation 4281323 (VCV004281323.7).